The following is an entry in ClinVar:

NC_000009.11:g.(?_325651)_(464239_?)dup

Gene: DOCK8 (dedicator of cytokinesis 8; plus strand). Cytogenetic location: 9p24.3.
Variant type: Duplication.
Identifiers: ClinVar variation 647945 (VCV000647945.3).

ClinVar aggregate classification (germline): Uncertain significance (1 of 4 stars; one submission).

Conditions:
Combined immunodeficiency due to DOCK8 deficiency (HIES2). Also called: HIES autosomal recessive; HYPER-IgE RECURRENT INFECTION SYNDROME 2, AUTOSOMAL RECESSIVE; HYPER-IgE SYNDROME 2, AUTOSOMAL RECESSIVE, WITH RECURRENT INFECTIONS; DOCK8 Deficiency; Hyper-IgE recurrent infection syndrome, autosomal recessive. Identifiers: Orphanet 217390, MedGen C4722305, MONDO:0009478, OMIM 243700.

Submission:

Labcorp Genetics (formerly Invitae), Labcorp
Classification: Uncertain significance for Hyper-Immunoglobulin E Syndrome, Autosomal Recessive. Last evaluated: 2019-11-09. Review status: criteria provided, single submitter. Criteria: Invitae Variant Classification Sherloc (09022015). Collection method: clinical testing. Allele origin: germline.
Comment: This variant results in a copy number gain of the genomic region encompassing exons 8-48 of the DOCK8 gene. The 5' boundary is likely confined to intron 7. The 3' end of this event is unknown as it extends beyond the assayed region for this gene and therefore may encompass additional genes. As the precise location of this event is unknown, it may be in tandem or it may be located elsewhere in the genome. This variant has not been reported in the literature in individuals with DOCK8-related disease. In summary, the available evidence is currently insufficient to determine the role of this variant in disease. Therefore, it has been classified as a Variant of Uncertain Significance.